The following is an entry in ClinVar:

NM_016205.3(PDGFC):c.93G>T (p.Gln31His)

Gene: PDGFC (platelet derived growth factor C; minus strand). Cytogenetic location: 4q32.1.
Variant type: single nucleotide variant.
Coding change: c.93G>T on transcript NM_016205.3 (MANE Select); coding-DNA position 93, G replaced by T.
Protein change: p.Gln31His; replaces glutamine 31 with histidine.
Molecular consequence: missense variant. On other transcripts: non-coding transcript variant (1).
Genome position (GRCh38, 1-based): chr4:156,970,811, C>A on the plus strand (G>T on the coding strand, the complement: PDGFC is on the minus strand). VCF-style: chr4-156970811-C-A. GRCh37 (hg19) VCF-style: chr4-157891963-C-A.
Other names: short protein forms Q31H.
Identifiers: ClinVar variation 3050723 (VCV003050723.16), dbSNP rs149931440, ClinGen allele CA3119593.

ClinVar aggregate classification (germline): Likely benign. Review status: criteria provided, single submitter (1 of 4 stars). 2 submissions from 2 submitters: Likely benign (1). 1 of the submissions does not count toward it. Last evaluated 2024-09-01.

Conditions:
PDGFC-related disorder. Also called: PDGFC-related condition.

Allele frequency attached by ClinVar (database versions not stated): 1000 Genomes Project 30x 0.00078; 1000 Genomes Project 0.00100; ESP Exome Variant Server 0.00292.
gnomAD v4.1: 6,384 of 1,611,858 alleles (0.4%); highest among the groups gnomAD compares: East Asian, 0.65%; 16 homozygotes.

Submissions (2):

CeGaT Center for Human Genetics Tuebingen
Classification: Likely benign. Last evaluated: 2024-09-01. Review status: criteria provided, single submitter. Criteria: CeGaT Center For Human Genetics Tuebingen Variant Classification Criteria Version 2. Collection method: clinical testing. Allele origin: germline. Affected: yes. Observed: 1 variant allele.
Comment: PDGFC: BP4, BS2

PreventionGenetics, part of Exact Sciences
Classification: Likely benign for PDGFC-related condition. Last evaluated: 2019-11-13. Review status: no assertion criteria provided. Collection method: clinical testing. Allele origin: germline. Not counted in ClinVar's aggregate classification.
Comment: This variant is classified as likely benign based on ACMG/AMP sequence variant interpretation guidelines (Richards et al. 2015 PMID: 25741868, with internal and published modifications).